The following is an entry in ClinVar:

NM_001127511.3(APC):c.-171G>T

Gene: APC (APC regulator of Wnt signaling pathway; plus strand). Cytogenetic location: 5q22.2.
Variant type: single nucleotide variant.
Coding change: c.-171G>T on transcript NM_001127511.3; 171 bases upstream of the start codon, G replaced by T.
Molecular consequence: 5 prime UTR variant. On other transcripts: non-coding transcript variant (2).
Genome position (GRCh38, 1-based): chr5:112,707,547, G>T. VCF-style: chr5-112707547-G-T. GRCh37 (hg19) VCF-style: chr5-112043244-G-T.
Other names: c.-354G>T (NM_001354895.2, NM_001407447.1, NM_001407452.1 and 3 more transcripts); c.-171G>T (NM_001354897.2, NM_001354902.2, NM_001407446.1); c.-121G>T (NM_001407448.1, NM_001407450.1, NM_001407457.1 and 1 more transcripts); c.-145G>T (NM_001407453.1); c.-1389G>T (NM_001407470.1, NM_001407472.1).
Identifiers: ClinVar variation 1005859 (VCV001005859.5), dbSNP rs968943120, ClinGen allele CA1573442423.
Genomic context (GRCh38, chr5:112,707,547, plus strand): 5'-CTCACGCATGCGCATTGTAGTCTTCCCACCTCCCACAAGATGGCGGAGGGCAAGTAGCAA[G>T]GGGGCGGGGTGTGGCCGCCGGAAGCCTAGCCGCTGCTCGGGGGGGACCTGCGGGCTCAGG-3'

ClinVar aggregate classification (germline): Uncertain significance (1 of 4 stars; one submission).

Conditions:
Familial adenomatous polyposis 1 (FAP1). Also called: FAMILIAL ADENOMATOUS POLYPOSIS 1, ATTENUATED; POLYPOSIS, ADENOMATOUS INTESTINAL. Identifiers: MedGen C2713442, MONDO:0021056, OMIM 175100. Disease mechanism: loss of function.

gnomAD v4.1: 1 of 549,360 alleles (0.00018%); highest among the groups gnomAD compares: Non-Finnish European, 0.00031%; no homozygotes.

Submission:

Labcorp Genetics (formerly Invitae), Labcorp
Classification: Uncertain significance for Familial adenomatous polyposis 1. Last evaluated: 2025-11-19. Review status: criteria provided, single submitter. Criteria: Invitae Variant Classification Sherloc (09022015). Collection method: clinical testing. Allele origin: germline.
Comment: This variant occurs in a non-coding region of the APC gene. It does not change the encoded amino acid sequence of the APC protein. This variant is not present in population databases (gnomAD no frequency). This variant has not been reported in the literature in individuals affected with APC-related conditions. Experimental studies and prediction algorithms are not available or were not evaluated, and the functional significance of this variant is currently unknown. In summary, the available evidence is currently insufficient to determine the role of this variant in disease. Therefore, it has been classified as a Variant of Uncertain Significance.